The following is an entry in ClinVar:

NM_000346.4(SOX9):c.946A>G (p.Thr316Ala)

Gene: SOX9 (SRY-box transcription factor 9; plus strand). Cytogenetic location: 17q24.3.
Variant type: single nucleotide variant.
Coding change: c.946A>G on transcript NM_000346.4 (MANE Select); coding-DNA position 946, A replaced by G.
Protein change: p.Thr316Ala; replaces threonine 316 with alanine.
Molecular consequence: missense variant.
Genome position (GRCh38, 1-based): chr17:72,123,803, A>G. VCF-style: chr17-72123803-A-G. GRCh37 (hg19) VCF-style: chr17-70119944-A-G.
Other names: short protein forms T316A.
Identifiers: ClinVar variation 4699086 (VCV004699086.1).

ClinVar aggregate classification (germline): Uncertain significance (1 of 4 stars; one submission).

Conditions:
Camptomelic dysplasia (CMPD). Also called: Campomelic Dysplasia; CMPD1/SRA1. Identifiers: Orphanet 140, MedGen C1861922, MONDO:0007251, OMIM 114290.

Submission:

Labcorp Genetics (formerly Invitae), Labcorp
Classification: Uncertain significance for Camptomelic dysplasia. Last evaluated: 2025-11-03. Review status: criteria provided, single submitter. Criteria: Invitae Variant Classification Sherloc (09022015). Collection method: clinical testing. Allele origin: germline.
Comment: This sequence change replaces threonine, which is neutral and polar, with alanine, which is neutral and non-polar, at codon 316 of the SOX9 protein (p.Thr316Ala). This variant is not present in population databases (gnomAD no frequency). This variant has not been reported in the literature in individuals affected with SOX9-related conditions. Invitae Evidence Modeling of protein sequence and biophysical properties (such as structural, functional, and spatial information, amino acid conservation, physicochemical variation, residue mobility, and thermodynamic stability) indicates that this missense variant is not expected to disrupt SOX9 protein function with a negative predictive value of 95%. In summary, the available evidence is currently insufficient to determine the role of this variant in disease. Therefore, it has been classified as a Variant of Uncertain Significance.